The following is an entry in ClinVar:

NM_001386298.1(CIC):c.3784C>T (p.Arg1262Ter)

Gene: CIC (capicua transcriptional repressor; plus strand). Cytogenetic location: 19q13.2.
Variant type: single nucleotide variant.
Coding change: c.3784C>T on transcript NM_001386298.1 (MANE Select); coding-DNA position 3784, C replaced by T.
Protein change: p.Arg1262Ter; replaces arginine 1262 with a stop codon.
Molecular consequence: nonsense.
Genome position (GRCh38, 1-based): chr19:42,289,013, C>T. VCF-style: chr19-42289013-C-T. GRCh37 (hg19) VCF-style: chr19-42793165-C-T.
Other names: c.3784C>T, p.Arg1262Ter (NM_001304815.2, NM_001379480.1, NM_001379482.1); c.1057C>T, p.Arg353Ter (NM_001379484.1, NM_001379485.1, NM_015125.5); short protein forms R353*, R1262*.
Identifiers: ClinVar variation 431168 (VCV000431168.3), dbSNP rs1135401823, ClinGen allele CA406101883.

ClinVar aggregate classification (germline): Pathogenic. Review status: criteria provided, single submitter (1 of 4 stars). 2 submissions from 2 submitters: Pathogenic (1). 1 of the submissions does not count toward it. Last evaluated 2017-08-21.

Conditions:
Intellectual developmental disorder, autosomal dominant 45. Also called: Intellectual disability, autosomal dominant 45; MENTAL RETARDATION, AUTOSOMAL DOMINANT 45. Identifiers: MedGen C4539848, MONDO:0030910, OMIM 617600.

Submissions (2):

GeneDx
Classification: Pathogenic. Last evaluated: 2017-08-21. Review status: criteria provided, single submitter. Criteria: GeneDx Variant Classification (06012015). Collection method: clinical testing. Allele origin: germline. Affected: yes.
Comment: The R353X variant in the CIC gene has not been reported previously as a pathogenic variant nor as a benign variant, to our knowledge. This variant is predicted to cause loss of normal protein function either through protein truncation or nonsense-mediated mRNA decay. The R353X variant is not observed in large population cohorts (Lek et al., 2016; 1000 Genomes Consortium et al., 2015; Exome Variant Server). We interpret R353X as a pathogenic variant.

OMIM
Classification: Pathogenic for INTELLECTUAL DEVELOPMENTAL DISORDER, AUTOSOMAL DOMINANT 45. Last evaluated: 2022-04-21. Review status: no assertion criteria provided. Collection method: literature only. Allele origin: germline. Not counted in ClinVar's aggregate classification.

Literature cited by the submitters: PubMed 28288114 (cited by OMIM).